The following is an entry in ClinVar:

NM_001365276.2(TNXB):c.3221C>A (p.Thr1074Asn)

Gene: TNXB (tenascin XB; minus strand). Cytogenetic location: 6p21.33.
Variant type: single nucleotide variant.
Coding change: c.3221C>A on transcript NM_001365276.2 (MANE Select); coding-DNA position 3221, C replaced by A.
Protein change: p.Thr1074Asn; replaces threonine 1074 with asparagine.
Molecular consequence: missense variant.
Genome position (GRCh38, 1-based): chr6:32,084,637, G>T on the plus strand (C>A on the coding strand, the complement: TNXB is on the minus strand). VCF-style: chr6-32084637-G-T. GRCh37 (hg19) VCF-style: chr6-32052414-G-T.
Other names: c.3221C>A, p.Thr1074Asn (NM_019105.8); short protein forms T1074N.
Identifiers: ClinVar variation 377313 (VCV000377313.3), dbSNP rs867358435, ClinGen allele CA16603337.

ClinVar aggregate classification (germline): Uncertain significance (1 of 4 stars; one submission).

Allele frequency attached by ClinVar (database versions not stated): gnomAD exomes below 0.00001.
gnomAD v4.1: 3 of 1,600,194 alleles (0.00019%); highest among the groups gnomAD compares: African/African-American, 0.004%; no homozygotes.

Submission:

Center for Pediatric Genomic Medicine, Children's Mercy Hospital and Clinics
Classification: Uncertain significance. Last evaluated: 2017-01-02. Review status: criteria provided, single submitter. Criteria: ACMG Guidelines, 2015. Collection method: clinical testing. Allele origin: germline.
ClinVar note: Converted during submission from Uncertain Significance to Uncertain significance.